The following is an entry in ClinVar:

ClinVar aggregate classification (germline): Benign (1 of 4 stars; one submission).

Allele frequency attached by ClinVar (database versions not stated): 1000 Genomes Project 0.13199; 1000 Genomes Project 30x 0.13851; gnomAD 0.15760 and 0.16545; TOPMed 0.16419.
gnomAD v4.1: 23,826 of 151,550 alleles (16%); highest among the groups gnomAD compares: African/African-American, 30%; 2,488 homozygotes.

Submission:

GeneDx
Classification: Benign. Last evaluated: 2018-06-17. Review status: criteria provided, single submitter. Criteria: GeneDx Variant Classification (06012015). Collection method: clinical testing. Allele origin: germline. Affected: yes.
Comment: This variant is considered likely benign or benign based on one or more of the following criteria: it is a conservative change, it occurs at a poorly conserved position in the protein, it is predicted to be benign by multiple in silico algorithms, and/or has population frequency not consistent with disease.

NM_004239.4(TRIP11):c.4893-186G>A

Gene: TRIP11 (thyroid hormone receptor interactor 11; minus strand). Cytogenetic location: 14q32.12.
Variant type: single nucleotide variant.
Coding change: c.4893-186G>A on transcript NM_004239.4 (MANE Select); 186 bases into the intron before coding-DNA position 4893, G replaced by A.
Molecular consequence: intron variant.
Genome position (GRCh38, 1-based): chr14:91,995,701, C>T on the plus strand (G>A on the coding strand, the complement: TRIP11 is on the minus strand). VCF-style: chr14-91995701-C-T. GRCh37 (hg19) VCF-style: chr14-92462045-C-T.
Other names: c.4890-186G>A (NM_001321851.1).
Identifiers: ClinVar variation 671253 (VCV000671253.1), dbSNP rs111429556, ClinGen allele CA265601237.